The following is an entry in ClinVar:

NM_005477.3(HCN4):c.2028C>A (p.Asp676Glu)

Gene: HCN4 (hyperpolarization activated cyclic nucleotide gated potassium channel 4; minus strand). Cytogenetic location: 15q24.1.
Variant type: single nucleotide variant.
Coding change: c.2028C>A on transcript NM_005477.3 (MANE Select); coding-DNA position 2028, C replaced by A.
Protein change: p.Asp676Glu; replaces aspartic acid 676 with glutamic acid.
Molecular consequence: missense variant.
Genome position (GRCh38, 1-based): chr15:73,324,204, G>T on the plus strand (C>A on the coding strand, the complement: HCN4 is on the minus strand). VCF-style: chr15-73324204-G-T. GRCh37 (hg19) VCF-style: chr15-73616545-G-T.
Other names: short protein forms D676E.
Identifiers: ClinVar variation 404115 (VCV000404115.11), dbSNP rs1060500102, ClinGen allele CA16614560.

ClinVar aggregate classification (germline): Uncertain significance. Review status: criteria provided, multiple submitters, no conflicts (2 of 4 stars). 2 submissions from 2 submitters: Uncertain significance (2). Last evaluated 2024-09-09.

Conditions:
Cardiovascular phenotype. Identifiers: MedGen CN230736.
Brugada syndrome 8 (BRGDA8). Identifiers: Orphanet 130, MedGen C2751083, MONDO:0013148, OMIM 613123.

Allele frequency attached by ClinVar (database versions not stated): gnomAD 0.00001; TOPMed 0.00001.
gnomAD v4.1: 2 of 1,613,990 alleles (0.00012%); highest among the groups gnomAD compares: Admixed American, 0.0033%; no homozygotes.

Submissions (2):

Labcorp Genetics (formerly Invitae), Labcorp
Classification: Uncertain significance for Brugada syndrome 8. Last evaluated: 2024-09-09. Review status: criteria provided, single submitter. Criteria: Invitae Variant Classification Sherloc (09022015). Collection method: clinical testing. Allele origin: germline.
Comment: This sequence change replaces aspartic acid, which is acidic and polar, with glutamic acid, which is acidic and polar, at codon 676 of the HCN4 protein (p.Asp676Glu). This variant is present in population databases (no rsID available, gnomAD 0.1%). This variant has not been reported in the literature in individuals affected with HCN4-related conditions. ClinVar contains an entry for this variant (Variation ID: 404115). Invitae Evidence Modeling of protein sequence and biophysical properties (such as structural, functional, and spatial information, amino acid conservation, physicochemical variation, residue mobility, and thermodynamic stability) indicates that this missense variant is not expected to disrupt HCN4 protein function with a negative predictive value of 80%. In summary, the available evidence is currently insufficient to determine the role of this variant in disease. Therefore, it has been classified as a Variant of Uncertain Significance.

Ambry Genetics
Classification: Uncertain significance for Cardiovascular phenotype. Last evaluated: 2022-10-02. Review status: criteria provided, single submitter. Criteria: Ambry Variant Classification Scheme 2023. Collection method: clinical testing. Allele origin: germline.
Comment: The p.D676E variant (also known as c.2028C>A), located in coding exon 7 of the HCN4 gene, results from a C to A substitution at nucleotide position 2028. The aspartic acid at codon 676 is replaced by glutamic acid, an amino acid with highly similar properties. This amino acid position is conserved. In addition, the in silico prediction for this alteration is inconclusive. Since supporting evidence is limited at this time, the clinical significance of this alteration remains unclear.